The following is an entry in ClinVar:

NM_001304360.2(CFAP74):c.3259C>T (p.Pro1087Ser)

Gene: CFAP74 (cilia and flagella associated protein 74; minus strand). Cytogenetic location: 1p36.33.
Variant type: single nucleotide variant.
Coding change: c.3259C>T on transcript NM_001304360.2 (MANE Select); coding-DNA position 3259, C replaced by T.
Protein change: p.Pro1087Ser; replaces proline 1087 with serine.
Molecular consequence: missense variant.
Genome position (GRCh38, 1-based): chr1:1,930,089, G>A on the plus strand (C>T on the coding strand, the complement: CFAP74 is on the minus strand). VCF-style: chr1-1930089-G-A. GRCh37 (hg19) VCF-style: chr1-1861528-G-A.
Other names: short protein forms P1087S.
Identifiers: ClinVar variation 4880858 (VCV004880858.2).

ClinVar aggregate classification (germline): Uncertain significance (1 of 4 stars; one submission).

gnomAD v4.1: 25 of 1,532,368 alleles (0.0016%); highest among the groups gnomAD compares: African/African-American, 0.019%; no homozygotes.

Submission:

Dasa
Classification: Uncertain significance. Last evaluated: 2025-07-14. Review status: criteria provided, single submitter. Criteria: DASA Assertion Criteria. Collection method: clinical testing. Allele origin: germline.
Comment: NM_001304360.2(CFAP74):c.3259C>T (p.Pro1087Ser) is a missense variant that results in the substitution of proline with serine. This variant is rare in population databases. Computational prediction algorithms are consistent with a benign effect. The currently available literature and clinical evidence are not sufficient to establish a definitive association between this variant and the reported condition. Therefore, this variant is classified as a variant of uncertain significance.